The following is an entry in ClinVar:

ClinVar aggregate classification (germline): Uncertain significance (1 of 4 stars; one submission).

Conditions:
Primary ciliary dyskinesia. Also called: Ciliary dyskinesia. Identifiers: Orphanet 244, MedGen C0008780, MONDO:0016575, HP:0012265.

Allele frequency attached by ClinVar (database versions not stated): gnomAD exomes 0.00003 and 0.00007; gnomAD 0.00004 and 0.00005; TOPMed 0.00005; ExAC 0.00006; ESP Exome Variant Server 0.00008.
gnomAD v4.1: 53 of 1,613,926 alleles (0.0033%); highest among the groups gnomAD compares: Non-Finnish European, 0.00051%; no homozygotes.

Submission:

Labcorp Genetics (formerly Invitae), Labcorp
Classification: Uncertain significance for Primary ciliary dyskinesia. Last evaluated: 2021-08-30. Review status: criteria provided, single submitter. Criteria: Invitae Variant Classification Sherloc (09022015). Collection method: clinical testing. Allele origin: germline.
Comment: This sequence change replaces aspartic acid with valine at codon 120 of the DNAAF1 protein (p.Asp120Val). The aspartic acid residue is moderately conserved and there is a large physicochemical difference between aspartic acid and valine. This variant is present in population databases (rs143005689, ExAC 0.01%). This variant has not been reported in the literature in individuals affected with DNAAF1-related conditions. Algorithms developed to predict the effect of missense changes on protein structure and function are either unavailable or do not agree on the potential impact of this missense change (SIFT: "Tolerated"; PolyPhen-2: "Possibly Damaging"; Align-GVGD: "Class C0"). In summary, the available evidence is currently insufficient to determine the role of this variant in disease. Therefore, it has been classified as a Variant of Uncertain Significance.

NM_178452.6(DNAAF1):c.359A>T (p.Asp120Val)

Gene: DNAAF1 (dynein axonemal assembly factor 1; plus strand). Cytogenetic location: 16q24.1.
Variant type: single nucleotide variant.
Coding change: c.359A>T on transcript NM_178452.6 (MANE Select); coding-DNA position 359, A replaced by T.
Protein change: p.Asp120Val; replaces aspartic acid 120 with valine.
Molecular consequence: missense variant.
Genome position (GRCh38, 1-based): chr16:84,154,583, A>T. VCF-style: chr16-84154583-A-T. GRCh37 (hg19) VCF-style: chr16-84188188-A-T.
Other names: short protein forms D120V.
Identifiers: ClinVar variation 940431 (VCV000940431.7), dbSNP rs143005689, ClinGen allele CA8202473.